The following is an entry in ClinVar:

ClinVar aggregate classification (germline): Uncertain significance. Review status: criteria provided, multiple submitters, no conflicts (2 of 4 stars). 2 submissions from 2 submitters: Uncertain significance (2). Last evaluated 2024-05-26.

Conditions:
Epileptic encephalopathy. Identifiers: MedGen C0543888, HP:0200134.

Allele frequency attached by ClinVar (database versions not stated): TOPMed 0.00002; ExAC 0.00003; gnomAD exomes 0.00003.
gnomAD v4.1: 9 of 1,607,560 alleles (0.00056%); highest among the groups gnomAD compares: East Asian, 0.016%; no homozygotes.

Submissions (2):

Ambry Genetics
Classification: Uncertain significance. Last evaluated: 2024-05-26. Review status: criteria provided, single submitter. Criteria: Ambry Variant Classification Scheme 2023. Collection method: clinical testing. Allele origin: germline.

Labcorp Genetics (formerly Invitae), Labcorp
Classification: Uncertain significance for Epileptic encephalopathy. Last evaluated: 2019-09-10. Review status: criteria provided, single submitter. Criteria: Invitae Variant Classification Sherloc (09022015). Collection method: clinical testing. Allele origin: germline.
Comment: This sequence change replaces valine with alanine at codon 2401 of the FASN protein (p.Val2401Ala). The valine residue is moderately conserved and there is a small physicochemical difference between valine and alanine. In summary, the available evidence is currently insufficient to determine the role of this variant in disease. Therefore, it has been classified as a Variant of Uncertain Significance. Algorithms developed to predict the effect of missense changes on protein structure and function output the following: SIFT: "Tolerated"; PolyPhen-2: "Benign"; Align-GVGD: "Class C0". The alanine amino acid residue is found in multiple mammalian species, suggesting that this missense change does not adversely affect protein function. These predictions have not been confirmed by published functional studies and their clinical significance is uncertain. This variant has not been reported in the literature in individuals with FASN-related conditions. This variant is present in population databases (rs748827970, ExAC 0.05%).

NM_004104.5(FASN):c.7202T>C (p.Val2401Ala)

Genes: FASN (fatty acid synthase; minus strand), LOC129390948 (MPRA-validated peak3028 silencer; plus strand). Cytogenetic location: 17q25.3.
Variant type: single nucleotide variant.
Coding change: c.7202T>C on transcript NM_004104.5 (MANE Select); coding-DNA position 7202, T replaced by C.
Protein change: p.Val2401Ala; replaces valine 2401 with alanine.
Molecular consequence: missense variant.
Genome position (GRCh38, 1-based): chr17:82,079,553, A>G on the plus strand (T>C on the coding strand, the complement: FASN is on the minus strand). VCF-style: chr17-82079553-A-G. GRCh37 (hg19) VCF-style: chr17-80037429-A-G.
Other names: short protein forms V2401A.
Identifiers: ClinVar variation 942196 (VCV000942196.11), dbSNP rs748827970, ClinGen allele CA8851068.